The following is an entry in ClinVar:

ClinVar aggregate classification (germline): Uncertain significance (1 of 4 stars; one submission).

gnomAD v4.1: 3 of 1,611,538 alleles (0.00019%); highest among the groups gnomAD compares: African/African-American, 0.0027%; no homozygotes.

Submission:

GeneDx
Classification: Uncertain significance. Last evaluated: 2025-01-13. Review status: criteria provided, single submitter. Criteria: GeneDx Variant Classification Process June 2021. Collection method: clinical testing. Allele origin: germline. Affected: yes.
Comment: Not observed at significant frequency in large population cohorts (gnomAD); In silico analysis supports that this missense variant has a deleterious effect on protein structure/function; Has not been previously published as pathogenic or benign to our knowledge

NM_001164508.2(NEB):c.8360A>G (p.Asp2787Gly)

Gene: NEB (nebulin; minus strand). Cytogenetic location: 2q23.3.
Variant type: single nucleotide variant.
Coding change: c.8360A>G on transcript NM_001164508.2 (MANE Select); coding-DNA position 8360, A replaced by G.
Protein change: p.Asp2787Gly; replaces aspartic acid 2787 with glycine.
Molecular consequence: missense variant.
Genome position (GRCh38, 1-based): chr2:151,642,587, T>C on the plus strand (A>G on the coding strand, the complement: NEB is on the minus strand). VCF-style: chr2-151642587-T-C. GRCh37 (hg19) VCF-style: chr2-152499101-T-C.
Other names: c.8360A>G, p.Asp2787Gly (NM_001164507.2, NM_001271208.2, NM_004543.5); short protein forms D2787G.
Identifiers: ClinVar variation 4056995 (VCV004056995.1).